The following is an entry in ClinVar:

ClinVar aggregate classification (germline): Benign (1 of 4 stars; one submission).

Submission:

GeneDx
Classification: Benign. Last evaluated: 2018-06-14. Review status: criteria provided, single submitter. Criteria: GeneDx Variant Classification (06012015). Collection method: clinical testing. Allele origin: germline. Affected: yes.
Comment: This variant is considered likely benign or benign based on one or more of the following criteria: it is a conservative change, it occurs at a poorly conserved position in the protein, it is predicted to be benign by multiple in silico algorithms, and/or has population frequency not consistent with disease.

NM_000138.5(FBN1):c.5918-270_5918-269insTT

Gene: FBN1 (fibrillin 1; minus strand). Cytogenetic location: 15q21.1.
Variant type: Insertion.
Coding change: c.5918-270_5918-269insTT on transcript NM_000138.5 (MANE Select); 270 bases into the intron before coding-DNA position 5918 through 269 bases into the intron before coding-DNA position 5918, TT inserted.
Molecular consequence: intron variant.
Genome position: GRCh38 VCF-style: chr15-48444929-T-TAA. GRCh37 (hg19) VCF-style: chr15-48737126-T-TAA.
Identifiers: ClinVar variation 680575 (VCV000680575.1), dbSNP rs10656611, ClinGen allele CA269532292.